The following is an entry in ClinVar:

ClinVar aggregate classification (germline): Uncertain significance (1 of 4 stars; one submission).

Submission:

GeneDx
Classification: Uncertain significance. Last evaluated: 2026-10-15. Review status: criteria provided, single submitter. Criteria: GeneDx Variant Classification Process June 2021. Collection method: clinical testing. Allele origin: germline.
Comment: Not observed at significant frequency in large population cohorts (gnomAD); In silico analysis supports that this missense variant has a deleterious effect on protein structure/function; Has not been previously published as pathogenic or benign to our knowledge

NM_005378.6(MYCN):c.1309G>A (p.Glu437Lys)

Gene: MYCN (MYCN proto-oncogene, bHLH transcription factor; plus strand). Cytogenetic location: 2p24.3.
Variant type: single nucleotide variant.
Coding change: c.1309G>A on transcript NM_005378.6 (MANE Select); coding-DNA position 1309, G replaced by A.
Protein change: p.Glu437Lys; replaces glutamic acid 437 with lysine.
Molecular consequence: missense variant. On other transcripts: 3 prime UTR variant (1).
Genome position (GRCh38, 1-based): chr2:15,946,011, G>A. VCF-style: chr2-15946011-G-A. GRCh37 (hg19) VCF-style: chr2-16086133-G-A.
Other names: c.1309G>A, p.Glu437Lys (NM_001293228.2); c.676G>A, p.Glu226Lys (NM_001293231.2); c.*1244G>A (NM_001293233.2); short protein forms E226K, E437K.
Identifiers: ClinVar variation 1190420 (VCV001190420.3), dbSNP rs2103331928, ClinGen allele CA345932729.
Genomic context (GRCh38, chr2:15,946,011, plus strand): 5'-GCCGCCAAGGTGGTCATTTTGAAAAAGGCCACTGAGTATGTCCACTCCCTCCAGGCCGAG[G>A]AGCACCAGCTTTTGCTGGAAAAGGAAAAATTGCAGGCAAGACAGCAGCAGTTGCTAAAGA-3'
Protein context (NP_005369.2, residues 427-447): TEYVHSLQAE[Glu437Lys]HQLLLEKEKL